The following is an entry in ClinVar:

ClinVar aggregate classification (germline): Likely pathogenic (1 of 4 stars; one submission).

Allele frequency attached by ClinVar (database versions not stated): gnomAD exomes below 0.00001.
gnomAD v4.1: 3 of 1,587,664 alleles (0.00019%); highest among the groups gnomAD compares: Non-Finnish European, 0.00026%; no homozygotes.

Submission:

GeneDx
Classification: Likely pathogenic. Last evaluated: 2017-03-31. Review status: criteria provided, single submitter. Criteria: GeneDx Variant Classification (06012015). Collection method: clinical testing. Allele origin: germline. Affected: yes.
Comment: The L206P variant in the WDR19 gene has not been reported previously as a pathogenic variant, nor as a benign variant, to our knowledge. The L206P variant is not observed in large population cohorts (Lek et al., 2016; 1000 Genomes Consortium et al., 2015; Exome Variant Server). The L206P variant is a semi-conservative amino acid substitution, which may impact secondary protein structure as these residues differ in some properties. This substitution occurs at a position where amino acids with similar properties to Leucine are tolerated across species. In silico analysis predicts this variant is probably damaging to the protein structure/function. Therefore, we interpret L206P as a likely pathogenic variant.

NM_025132.4(WDR19):c.617T>C (p.Leu206Pro)

Gene: WDR19 (WD repeat domain 19; plus strand). Cytogenetic location: 4p14.
Variant type: single nucleotide variant.
Coding change: c.617T>C on transcript NM_025132.4 (MANE Select); coding-DNA position 617, T replaced by C.
Protein change: p.Leu206Pro; replaces leucine 206 with proline.
Molecular consequence: missense variant.
Genome position (GRCh38, 1-based): chr4:39,205,167, T>C. VCF-style: chr4-39205167-T-C. GRCh37 (hg19) VCF-style: chr4-39206787-T-C.
Other names: c.137T>C, p.Leu46Pro (NM_001317924.2); short protein forms L206P, L46P.
Identifiers: ClinVar variation 424472 (VCV000424472.2), dbSNP rs1064796986, ClinGen allele CA16618044.